The following is an entry in ClinVar:

ClinVar aggregate classification (germline): Uncertain significance (1 of 4 stars; one submission).

Conditions:
Autoimmune lymphoproliferative syndrome type 2A (ALPS2A). Also called: CASP10-Related Autoimmune Lymphoproliferative Syndrome; AUTOIMMUNE LYMPHOPROLIFERATIVE SYNDROME, TYPE IIA; Autoimmune lymphoproliferative syndrome type 2. Identifiers: Orphanet 3261, MedGen C1858968, MONDO:0011383, OMIM 603909.

Allele frequency attached by ClinVar (database versions not stated): gnomAD exomes below 0.00001; gnomAD 0.00001; TOPMed 0.00001.
gnomAD v4.1: 4 of 1,613,954 alleles (0.00025%); highest among the groups gnomAD compares: Non-Finnish European, 0.00034%; no homozygotes.

Submission:

Labcorp Genetics (formerly Invitae), Labcorp
Classification: Uncertain significance for Autoimmune lymphoproliferative syndrome type 2A. Last evaluated: 2022-11-01. Review status: criteria provided, single submitter. Criteria: Invitae Variant Classification Sherloc (09022015). Collection method: clinical testing. Allele origin: germline.
Comment: Advanced modeling of protein sequence and biophysical properties (such as structural, functional, and spatial information, amino acid conservation, physicochemical variation, residue mobility, and thermodynamic stability) performed at Invitae indicates that this missense variant is not expected to disrupt CASP10 protein function. This variant has not been reported in the literature in individuals affected with CASP10-related conditions. This variant is present in population databases (no rsID available, gnomAD 0.007%). This sequence change replaces proline, which is neutral and non-polar, with threonine, which is neutral and polar, at codon 501 of the CASP10 protein (p.Pro501Thr). In summary, the available evidence is currently insufficient to determine the role of this variant in disease. Therefore, it has been classified as a Variant of Uncertain Significance.

NM_032977.4(CASP10):c.1501C>A (p.Pro501Thr)

Gene: CASP10 (caspase 10; plus strand). Cytogenetic location: 2q33.1.
Variant type: single nucleotide variant.
Coding change: c.1501C>A on transcript NM_032977.4 (MANE Select); coding-DNA position 1501, C replaced by A.
Protein change: p.Pro501Thr; replaces proline 501 with threonine.
Molecular consequence: missense variant. On other transcripts: intron variant (2), 3 prime UTR variant (1).
Genome position (GRCh38, 1-based): chr2:201,217,673, C>A. VCF-style: chr2-201217673-C-A. GRCh37 (hg19) VCF-style: chr2-202082396-C-A.
Other names: c.1415+8111C>A (NM_032974.5); c.1286+8111C>A (NM_001206542.2); c.1300C>A, p.Pro434Thr (NM_001206524.2); c.1372C>A, p.Pro458Thr (NM_001230.5); c.*587C>A (NM_032976.4); short protein forms P434T, P501T, P458T.
Identifiers: ClinVar variation 2939872 (VCV002939872.3), dbSNP rs1422860556, ClinGen allele CA350296913.
Genomic context (GRCh38, chr2:201,217,673, plus strand): 5'-ACTGCTGTCAACGATGATGTGAGTCGAAGAGTGGACAAACAGGGAACAAAGAAACAGATG[C>A]CCCAGCCTGCTTTCACACTAAGGAAAAAACTAGTATTCCCTGTGCCCCTGGATGCACTTT-3'
Protein context (NP_116759.2, residues 491-511): VDKQGTKKQM[Pro501Thr]QPAFTLRKKL